The following is an entry in ClinVar:

ClinVar aggregate classification (germline): Conflicting classifications of pathogenicity. Review status: criteria provided, conflicting classifications (1 of 4 stars). 2 submissions from 2 submitters: Likely pathogenic (1); Uncertain significance (1). Last evaluated 2023-11-27.

Conditions:
CNGB3-related disorder. Also called: CNGB3-related condition; CNGB3-related disorders. Identifiers: MedGen CN239340.

gnomAD v4.1: 2 of 1,612,868 alleles (0.00012%); highest among the groups gnomAD compares: Non-Finnish European, 0.00017%; no homozygotes.

Submissions (2):

Labcorp Genetics (formerly Invitae), Labcorp
Classification: Uncertain significance. Last evaluated: 2023-11-27. Review status: criteria provided, single submitter. Criteria: Invitae Variant Classification Sherloc (09022015). Collection method: clinical testing. Allele origin: germline.
Comment: This sequence change replaces glutamic acid, which is acidic and polar, with lysine, which is basic and polar, at codon 419 of the CNGB3 protein (p.Glu419Lys). This variant is present in population databases (rs372302139, gnomAD 0.002%). This variant has not been reported in the literature in individuals affected with CNGB3-related conditions. ClinVar contains an entry for this variant (Variation ID: 865973). Advanced modeling of protein sequence and biophysical properties (such as structural, functional, and spatial information, amino acid conservation, physicochemical variation, residue mobility, and thermodynamic stability) performed at Invitae indicates that this missense variant is expected to disrupt CNGB3 protein function with a positive predictive value of 80%. In summary, the available evidence is currently insufficient to determine the role of this variant in disease. Therefore, it has been classified as a Variant of Uncertain Significance.

Blueprint Genetics
Classification: Likely pathogenic for CNGB3-related disorders. Last evaluated: 2022-11-10. Review status: criteria provided, single submitter. Criteria: ACMG Guidelines, 2015. Collection method: clinical testing. Allele origin: germline. Affected: yes. Observed: 3 variant alleles.

NM_019098.5(CNGB3):c.1255G>A (p.Glu419Lys)

Gene: CNGB3 (cyclic nucleotide gated channel subunit beta 3; minus strand). Cytogenetic location: 8q21.3.
Variant type: single nucleotide variant.
Coding change: c.1255G>A on transcript NM_019098.5 (MANE Select); coding-DNA position 1255, G replaced by A.
Protein change: p.Glu419Lys; replaces glutamic acid 419 with lysine.
Molecular consequence: missense variant.
Genome position (GRCh38, 1-based): chr8:86,632,817, C>T on the plus strand (G>A on the coding strand, the complement: CNGB3 is on the minus strand). VCF-style: chr8-86632817-C-T. GRCh37 (hg19) VCF-style: chr8-87645045-C-T.
Other names: short protein forms E419K.
Identifiers: ClinVar variation 865973 (VCV000865973.10), dbSNP rs372302139, ClinGen allele CA4800091.